The following is an entry in ClinVar:

NM_020964.3(EPG5):c.6184G>T (p.Asp2062Tyr)

Gene: EPG5 (ectopic P-granules 5 autophagy tethering factor; minus strand). Cytogenetic location: 18q12.3.
Variant type: single nucleotide variant.
Coding change: c.6184G>T on transcript NM_020964.3 (MANE Select); coding-DNA position 6184, G replaced by T.
Protein change: p.Asp2062Tyr; replaces aspartic acid 2062 with tyrosine.
Molecular consequence: missense variant.
Genome position (GRCh38, 1-based): chr18:45,870,608, C>A on the plus strand (G>T on the coding strand, the complement: EPG5 is on the minus strand). VCF-style: chr18-45870608-C-A. GRCh37 (hg19) VCF-style: chr18-43450573-C-A.
Other names: c.6184G>T, p.Asp2062Tyr (NM_001410858.1); c.6181G>T, p.Asp2061Tyr (NM_001410859.1); short protein forms D2061Y, D2062Y.
Identifiers: ClinVar variation 2081065 (VCV002081065.4), dbSNP rs1395832994, ClinGen allele CA402340470.

ClinVar aggregate classification (germline): Uncertain significance (1 of 4 stars; one submission).

Conditions:
Vici syndrome (VICIS). Identifiers: Orphanet 1493, MedGen C1855772, MONDO:0009452, OMIM 242840.

Submission:

Labcorp Genetics (formerly Invitae), Labcorp
Classification: Uncertain significance for Vici syndrome. Last evaluated: 2022-06-30. Review status: criteria provided, single submitter. Criteria: Invitae Variant Classification Sherloc (09022015). Collection method: clinical testing. Allele origin: germline.
Comment: In summary, the available evidence is currently insufficient to determine the role of this variant in disease. Therefore, it has been classified as a Variant of Uncertain Significance. Algorithms developed to predict the effect of missense changes on protein structure and function are either unavailable or do not agree on the potential impact of this missense change (SIFT: "Tolerated"; PolyPhen-2: "Probably Damaging"; Align-GVGD: "Class C0"). This variant has not been reported in the literature in individuals affected with EPG5-related conditions. This variant is not present in population databases (gnomAD no frequency). This sequence change replaces aspartic acid, which is acidic and polar, with tyrosine, which is neutral and polar, at codon 2062 of the EPG5 protein (p.Asp2062Tyr).